The following is an entry in ClinVar:

NM_000942.5(PPIB):c.646G>T (p.Glu216Ter)

Genes: PPIB (peptidylprolyl isomerase B; minus strand), SNX22 (sorting nexin 22; plus strand). Cytogenetic location: 15q22.31.
Variant type: single nucleotide variant.
Coding change: c.646G>T on transcript NM_000942.5 (MANE Select); coding-DNA position 646, G replaced by T.
Protein change: p.Glu216Ter; replaces glutamic acid 216 with a stop codon.
Molecular consequence: nonsense. On other transcripts: 3 prime UTR variant (1), non-coding transcript variant (1).
Genome position (GRCh38, 1-based): chr15:64,156,028, C>A on the plus strand (G>T on the coding strand, the complement: PPIB is on the minus strand). VCF-style: chr15-64156028-C-A. GRCh37 (hg19) VCF-style: chr15-64448227-C-A.
Other names: c.*1520C>A (NM_024798.3); short protein forms E216*.
Identifiers: ClinVar variation 1505005 (VCV001505005.5), dbSNP rs1036746834, ClinGen allele CA271409241.

ClinVar aggregate classification (germline): Uncertain significance (1 of 4 stars; one submission).

Allele frequency attached by ClinVar (database versions not stated): gnomAD exomes 0.00001.
gnomAD v4.1: 3 of 1,614,186 alleles (0.00019%); highest among the groups gnomAD compares: Admixed American, 0.005%; no homozygotes.

Submission:

Labcorp Genetics (formerly Invitae), Labcorp
Classification: Uncertain significance. Last evaluated: 2024-11-11. Review status: criteria provided, single submitter. Criteria: Invitae Variant Classification Sherloc (09022015). Collection method: clinical testing. Allele origin: germline.
Comment: This sequence change creates a premature translational stop signal (p.Glu216*) in the PPIB gene. While this is not anticipated to result in nonsense mediated decay, it is expected to disrupt the last 1 amino acid(s) of the PPIB protein. This variant is present in population databases (no rsID available, gnomAD 0.009%). This variant has not been reported in the literature in individuals affected with PPIB-related conditions. ClinVar contains an entry for this variant (Variation ID: 1505005). Experimental studies and prediction algorithms are not available or were not evaluated, and the functional significance of this variant is currently unknown. In summary, the available evidence is currently insufficient to determine the role of this variant in disease. Therefore, it has been classified as a Variant of Uncertain Significance.